The following is an entry in ClinVar:

NM_002430.3(MN1):c.1249C>T (p.Arg417Trp)

Gene: MN1 (MN1 proto-oncogene, transcriptional regulator; minus strand). Cytogenetic location: 22q12.1.
Variant type: single nucleotide variant.
Coding change: c.1249C>T on transcript NM_002430.3 (MANE Select); coding-DNA position 1249, C replaced by T.
Protein change: p.Arg417Trp; replaces arginine 417 with tryptophan.
Molecular consequence: missense variant.
Genome position (GRCh38, 1-based): chr22:27,799,295, G>A on the plus strand (C>T on the coding strand, the complement: MN1 is on the minus strand). VCF-style: chr22-27799295-G-A. GRCh37 (hg19) VCF-style: chr22-28195283-G-A.
Other names: short protein forms R417W.
Identifiers: ClinVar variation 3766238 (VCV003766238.1).

ClinVar aggregate classification (germline): Uncertain significance (1 of 4 stars; one submission).

Submission:

GeneDx
Classification: Uncertain significance. Last evaluated: 2024-08-21. Review status: criteria provided, single submitter. Criteria: GeneDx Variant Classification Process June 2021. Collection method: clinical testing. Allele origin: germline. Affected: yes.
Comment: Not observed at significant frequency in large population cohorts (gnomAD); In silico analysis supports that this missense variant has a deleterious effect on protein structure/function; Has not been previously published as pathogenic or benign to our knowledge